The following is an entry in ClinVar:

NM_001754.5(RUNX1):c.747T>A (p.Pro249=)

Gene: RUNX1 (RUNX family transcription factor 1; minus strand). Cytogenetic location: 21q22.12.
Variant type: single nucleotide variant.
Coding change: c.747T>A on transcript NM_001754.5 (MANE Select); coding-DNA position 747, T replaced by A.
Protein change: p.Pro249=; no amino-acid change (proline 249 retained).
Molecular consequence: synonymous variant.
Genome position (GRCh38, 1-based): chr21:34,834,468, A>T on the plus strand (T>A on the coding strand, the complement: RUNX1 is on the minus strand). VCF-style: chr21-34834468-A-T. GRCh37 (hg19) VCF-style: chr21-36206765-A-T.
Other names: NM_001754.5(RUNX1):c.747T>A; p.Pro249=; c.666T>A, p.Pro222= (NM_001001890.3, NM_001122607.2).
Identifiers: ClinVar variation 3045268 (VCV003045268.4), dbSNP rs1441275314, ClinGen allele CA512318593.

ClinVar aggregate classification (germline): Likely benign. Review status: reviewed by expert panel (3 of 4 stars). 3 submissions from 3 submitters: Likely benign (1). 2 of the submissions do not count toward it. Last evaluated 2024-09-18.

Conditions:
RUNX1-related disorder. Also called: RUNX1-related condition.
Inborn genetic diseases. Identifiers: MedGen C0950123, MeSH D030342.
Hereditary thrombocytopenia and hematologic cancer predisposition syndrome. Identifiers: Orphanet 71290, MedGen CN281654, MONDO:0011071.

Submissions (3):

ClinGen Myeloid Malignancy Variant Curation Expert Panel
Classification: Likely benign for Hereditary thrombocytopenia and hematologic cancer predisposition syndrome. Last evaluated: 2024-09-18. Review status: reviewed by expert panel. Criteria: ClinGen MyeloMalig ACMG Specifications v2. Collection method: curation. Allele origin: germline. Inheritance: Autosomal dominant inheritance.
Comment: NM_001754.5(RUNX1):c.747T>A (p.Pro249=) is a synonymous variant which has a SpliceAI score ≤ 0.20 (0.01) (BP4). This variant has a SpliceAI score ≤ 0.20 (0.01) and evolutionary conservation algorithms predict the site as being not conserved (PhyloP score ≤ 2.0 (1.17) (BP7). This variant is completely absent from all population databases with at least 20x coverage for RUNX1 (PM2_Supporting). In summary, this variant meets criteria to be classified as likely benign. ACMG/AMP criteria applied, as specified by the Myeloid Malignancy Variant Curation Expert Panel for RUNX1: BP4, BP7, PM2_supporting.

Ambry Genetics
Classification: Likely benign for Inborn genetic diseases. Last evaluated: 2026-08-31. Review status: criteria provided, single submitter. Criteria: Ambry Variant Classification Scheme 2023. Collection method: clinical testing. Allele origin: germline. Not counted in ClinVar's aggregate classification.

PreventionGenetics, part of Exact Sciences
Classification: Likely benign for RUNX1-related condition. Last evaluated: 2019-10-31. Review status: no assertion criteria provided. Collection method: clinical testing. Allele origin: germline. Not counted in ClinVar's aggregate classification.
Comment: This variant is classified as likely benign based on ACMG/AMP sequence variant interpretation guidelines (Richards et al. 2015 PMID: 25741868, with internal and published modifications).